The following is an entry in ClinVar:

ClinVar aggregate classification (germline): Likely pathogenic (1 of 4 stars; one submission).

Conditions:
Brain small vessel disease 2A, autosomal dominant. Also called: Porencephaly 2. Identifiers: Orphanet 2940, Orphanet 99810, MedGen C3280970, MONDO:0013773, OMIM 614483.

Submission:

Bruce Lefroy Centre, Murdoch Childrens Research Institute
Classification: Likely pathogenic for Brain small vessel disease 2A, autosomal dominant. Last evaluated: 2020-01-01. Review status: criteria provided, single submitter. Criteria: ACMG Guidelines, 2015. Collection method: research. Allele origin: maternal. Inheritance: Autosomal dominant inheritance. Affected: yes. Observed: 3 variant alleles, 3 heterozygotes.
Comment: PM2, PM4, PP3, PP1

NM_001846.4(COL4A2):c.2902+1G>A

Gene: COL4A2 (collagen type IV alpha 2 chain; plus strand). Cytogenetic location: 13q34.
Variant type: single nucleotide variant.
Coding change: c.2902+1G>A on transcript NM_001846.4 (MANE Select); the canonical splice donor site of the intron after coding-DNA position 2902, G replaced by A.
Molecular consequence: splice donor variant.
Genome position (GRCh38, 1-based): chr13:110,482,660, G>A. VCF-style: chr13-110482660-G-A. GRCh37 (hg19) VCF-style: chr13-111135007-G-A.
Identifiers: ClinVar variation 864858 (VCV000864858.2), dbSNP rs1882975083, ClinGen allele CA388727635.